The following is an entry in ClinVar:

ClinVar aggregate classification (germline): Likely pathogenic (1 of 4 stars; one submission).

Conditions:
Alzheimer disease 3 (AD3). Also called: ALZHEIMER DISEASE, FAMILIAL, 3. Identifiers: Orphanet 1020, MedGen C1843013, MONDO:0011913, OMIM 607822.

Submission:

Human Genome Lab, NIMHANS, National Institute of Mental Health and Neuro Sciences
Classification: Likely pathogenic for Alzheimer disease 3. Review status: criteria provided, single submitter. Criteria: ACMG Guidelines, 2015. Collection method: clinical testing. Allele origin: germline. Inheritance: Autosomal dominant inheritance. Affected: yes. Observed: 1 heterozygote.
Comment: The missense variant NM_000021.4(PSEN1):c.336G>T (p.Gln112His) is novel in 1kG All and gnomAD Joint frequencies database (PM2). There is a small physicochemical difference between glutamine and histidine, which is not likely to impact secondary protein structure as these residues share similar properties. The gene PSEN1 has a low rate of benign missense variation as indicated by a high missense variants Z-Score of 3.10. The gene PSEN1 contains 123 pathogenic missense variants, indicating that missense variants are a common mechanism of disease in this gene (PP2). 6 variants within 6 amino acid positions of the variant p.Gln112His have been shown to be pathogenic, while none have been shown to be benign (PM1). The p.Gln112His missense variant is predicted to be damaging by both SIFT and PolyPhen2. The glutamine residue at codon 112 of PSEN1 is conserved in all mammalian species. The nucleotide c.336 in PSEN1 is predicted conserved by GERP++ and PhyloP across 100 vertebrates (PP3). For these reasons, this variant has been classified as Likely Pathogenic. ACMG Criteria: PM2 PM1 PP2 PP3

NM_000021.4(PSEN1):c.336G>T (p.Gln112His)

Gene: PSEN1 (presenilin 1; plus strand). Cytogenetic location: 14q24.2.
Variant type: single nucleotide variant.
Coding change: c.336G>T on transcript NM_000021.4 (MANE Select); coding-DNA position 336, G replaced by T.
Protein change: p.Gln112His; replaces glutamine 112 with histidine.
Molecular consequence: missense variant.
Genome position (GRCh38, 1-based): chr14:73,171,045, G>T. VCF-style: chr14-73171045-G-T. GRCh37 (hg19) VCF-style: chr14-73637753-G-T.
Other names: c.324G>T, p.Gln108His (NM_007318.3); short protein forms Q108H, Q112H.
Identifiers: ClinVar variation 3901841 (VCV003901841.1).